The following is an entry in ClinVar:

NM_194248.3(OTOF):c.3409-11A>G

Gene: OTOF (otoferlin; minus strand). Cytogenetic location: 2p23.3.
Variant type: single nucleotide variant.
Coding change: c.3409-11A>G on transcript NM_194248.3 (MANE Select); 11 bases into the intron before coding-DNA position 3409, A replaced by G.
Molecular consequence: intron variant.
Genome position (GRCh38, 1-based): chr2:26,473,578, T>C on the plus strand (A>G on the coding strand, the complement: OTOF is on the minus strand). VCF-style: chr2-26473578-T-C. GRCh37 (hg19) VCF-style: chr2-26696446-T-C.
Other names: c.3409-11A>G (NM_001287489.2); c.1168-11A>G (NM_194323.3, NM_004802.4); c.1339-11A>G (NM_194322.3).
Identifiers: ClinVar variation 4879916 (VCV004879916.1).

ClinVar aggregate classification (germline): Pathogenic (0 of 4 stars; one submission).

Conditions:
Autosomal recessive nonsyndromic hearing loss 9. Also called: NEUROSENSORY NONSYNDROMIC RECESSIVE DEAFNESS 9; OTOF-Related Hearing Loss; Deafness, autosomal recessive 9; AUDITORY NEUROPATHY, AUTOSOMAL RECESSIVE, 1, TEMPERATURE-SENSITIVE. Identifiers: Orphanet 90636, MedGen C1832828, MONDO:0010986, OMIM 601071.

Submission:

Diagnosis and Treatment Center of Genetic Hearing Loss, Eye & ENT Hospital of Fudan University
Classification: Pathogenic for Autosomal recessive nonsyndromic hearing loss 9. Last evaluated: 2026-02-04. Review status: no assertion criteria provided. Collection method: clinical testing, in vitro. Allele origin: germline, not applicable. Inheritance: Autosomal recessive inheritance. Affected: yes. Clinical features observed: hearing loss. Functional consequence: activated cryptic splice donor.
Comment: The c.3409-11A>G variant in OTOF is located in intron 27. A splicing assay using peripheral blood RNA from a patient demonstrated aberrant splicing, resulting in retention of 10 bp of intron 27. PVS1 was downgraded to PVS1_Strong because the assay used peripheral blood rather than inner hair cells. This variant has been identified in trans with pathogenic variants in two probands: (c.5816G>A) and (c.5647C>T) (PM3_Strong). It is absent from population databases (PM2_Supporting). The phenotype is consistent with auditory neuropathy (PP4).